The following is an entry in ClinVar:

NM_001164665.2(KIAA1549):c.2438A>G (p.Asp813Gly)

Gene: KIAA1549 (KIAA1549; minus strand). Cytogenetic location: 7q34.
Variant type: single nucleotide variant.
Coding change: c.2438A>G on transcript NM_001164665.2 (MANE Select); coding-DNA position 2438, A replaced by G.
Protein change: p.Asp813Gly; replaces aspartic acid 813 with glycine.
Molecular consequence: missense variant.
Genome position (GRCh38, 1-based): chr7:138,917,188, T>C on the plus strand (A>G on the coding strand, the complement: KIAA1549 is on the minus strand). VCF-style: chr7-138917188-T-C. GRCh37 (hg19) VCF-style: chr7-138601934-T-C.
Other names: c.2438A>G, p.Asp813Gly (NM_020910.3); short protein forms D813G.
Identifiers: ClinVar variation 1511321 (VCV001511321.8), dbSNP rs2130477741, ClinGen allele CA369392661.

ClinVar aggregate classification (germline): Uncertain significance (1 of 4 stars; one submission).

Submission:

Labcorp Genetics (formerly Invitae), Labcorp
Classification: Uncertain significance. Last evaluated: 2022-10-04. Review status: criteria provided, single submitter. Criteria: Invitae Variant Classification Sherloc (09022015). Collection method: clinical testing. Allele origin: germline.
Comment: ClinVar contains an entry for this variant (Variation ID: 1511321). In summary, the available evidence is currently insufficient to determine the role of this variant in disease. Therefore, it has been classified as a Variant of Uncertain Significance. Algorithms developed to predict the effect of missense changes on protein structure and function output the following: SIFT: "Tolerated"; PolyPhen-2: "Benign"; Align-GVGD: "Class C0". The glycine amino acid residue is found in multiple mammalian species, which suggests that this missense change does not adversely affect protein function. This variant has not been reported in the literature in individuals affected with KIAA1549-related conditions. This variant is not present in population databases (gnomAD no frequency). This sequence change replaces aspartic acid, which is acidic and polar, with glycine, which is neutral and non-polar, at codon 813 of the KIAA1549 protein (p.Asp813Gly).